The following is an entry in ClinVar:

ClinVar aggregate classification (germline): Uncertain significance (1 of 4 stars; one submission).

Conditions:
Frontometaphyseal dysplasia (FMD1). Identifiers: Orphanet 1826, MedGen C0265293, MONDO:0015942.
Melnick-Needles syndrome (MNS). Also called: MELNICK-NEEDLES OSTEODYSPLASTY; OSTEODYSPLASTY OF MELNICK AND NEEDLES; Melnick-Needles Syndrome (FLNA-MNS). Identifiers: Orphanet 2484, MedGen C0025237, MONDO:0010650, OMIM 309350.
Oto-palato-digital syndrome, type II (OPD2). Also called: FACIOPALATOOSSEOUS SYNDROME; Otopalatodigital Syndrome, Type II; OPD II SYNDROME; Otopalatodigital Syndrome Type 2 (FLNA-OPD2). Identifiers: Orphanet 669, Orphanet 90652, MedGen C1844696, MONDO:0010571, OMIM 304120.
Heterotopia, periventricular, X-linked dominant (PVNH1). Also called: PERIVENTRICULAR NODULAR HETEROTOPIA 1; X-linked periventricular heterotopia; PERIVENTRICULAR NODULAR HETEROTOPIA 4; HETEROTOPIA, PERIVENTRICULAR, 1. Identifiers: Orphanet 2149, Orphanet 82004, MedGen C1848213, MONDO:0010233, OMIM 300049.

Submission:

Labcorp Genetics (formerly Invitae), Labcorp
Classification: Uncertain significance for Oto-palato-digital syndrome, type II; Heterotopia, periventricular, X-linked dominant; Frontometaphyseal dysplasia; Melnick-Needles syndrome. Last evaluated: 2020-09-30. Review status: criteria provided, single submitter. Criteria: Invitae Variant Classification Sherloc (09022015). Collection method: clinical testing. Allele origin: germline.
Comment: This variant is not present in population databases (ExAC no frequency). This sequence change falls in intron 3 of the FLNA gene. It does not directly change the encoded amino acid sequence of the FLNA protein. This variant has not been reported in the literature in individuals with FLNA-related conditions. Nucleotide substitutions within the consensus splice site are a relatively common cause of aberrant splicing (PMID: 17576681, 9536098). Algorithms developed to predict the effect of sequence changes on RNA splicing suggest that this variant may disrupt the consensus splice site, but this prediction has not been confirmed by published transcriptional studies. In summary, the available evidence is currently insufficient to determine the role of this variant in disease. Therefore, it has been classified as a Variant of Uncertain Significance.

Literature cited by the submitters: PubMed 17576681; PubMed 9536098.

NM_001110556.2(FLNA):c.623-10T>A

Gene: FLNA (filamin A; minus strand). Cytogenetic location: Xq28.
Variant type: single nucleotide variant.
Coding change: c.623-10T>A on transcript NM_001110556.2 (MANE Select); 10 bases into the intron before coding-DNA position 623, T replaced by A.
Molecular consequence: intron variant.
Genome position (GRCh38, 1-based): chrX:154,367,748, A>T on the plus strand (T>A on the coding strand, the complement: FLNA is on the minus strand). VCF-style: chrX-154367748-A-T. GRCh37 (hg19) VCF-style: chrX-153596116-A-T.
Other names: c.623-10T>A (NM_001456.4).
Identifiers: ClinVar variation 1006865 (VCV001006865.9), dbSNP rs2067773575, ClinGen allele CA2466658996.